The following is an entry in ClinVar:

NM_000020.3(ACVRL1):c.1438C>T (p.Leu480Phe)

Gene: ACVRL1 (activin A receptor like type 1; plus strand). Cytogenetic location: 12q13.13.
Variant type: single nucleotide variant.
Coding change: c.1438C>T on transcript NM_000020.3 (MANE Select); coding-DNA position 1438, C replaced by T.
Protein change: p.Leu480Phe; replaces leucine 480 with phenylalanine.
Molecular consequence: missense variant.
Genome position (GRCh38, 1-based): chr12:51,920,819, C>T. VCF-style: chr12-51920819-C-T. GRCh37 (hg19) VCF-style: chr12-52314603-C-T.
Other names: p.Leu480Phe; c.1438C>T, p.Leu480Phe (NM_001077401.2, NM_001406487.1); c.1282C>T, p.Leu428Phe (NM_001406490.1); c.1126C>T, p.Leu376Phe (NM_001406491.1, NM_001406492.1); c.928C>T, p.Leu310Phe (NM_001406494.1); c.874C>T, p.Leu292Phe (NM_001406495.1); short protein forms L480F, L376F, L428F, L292F, L310F.
Identifiers: ClinVar variation 1772647 (VCV001772647.7), dbSNP rs2540174697, ClinGen allele CA384905700.

ClinVar aggregate classification (germline): Pathogenic/Likely pathogenic. Review status: criteria provided, multiple submitters, no conflicts (2 of 4 stars). 3 submissions from 3 submitters: Pathogenic (1); Likely pathogenic (2). Last evaluated 2026-04-29.

Conditions:
Cardiovascular phenotype. Identifiers: MedGen CN230736.
Telangiectasia, hereditary hemorrhagic, type 2 (HHT2). Also called: ACVRL1-Related Hereditary Hemorrhagic Telangiectasia; Telangiectasia, hereditary hemorrhagic, type II. Identifiers: Orphanet 774, MedGen C1838163, MONDO:0010880, OMIM 600376. Disease mechanism: loss of function.

Submissions (3):

Ambry Genetics
Classification: Likely pathogenic for Cardiovascular phenotype. Last evaluated: 2026-04-29. Review status: criteria provided, single submitter. Criteria: Ambry Variant Classification Scheme 2023. Collection method: clinical testing. Allele origin: germline.
Comment: The p.L480F variant (also known as c.1438C>T), located in coding exon 9 of the ACVRL1 gene, results from a C to T substitution at nucleotide position 1438. The leucine at codon 480 is replaced by phenylalanine, an amino acid with highly similar properties. This variant was reported in individual(s) with features consistent with hereditary hemorrhagic telangiectasia (HHT) (Olivieri C et al. J Hum Genet, 2007 Sep;52:820-829; Ambry internal data). This amino acid position is well conserved in available vertebrate species. In addition, this alteration is predicted to be deleterious by in silico analysis. This variant is considered to be rare based on population cohorts in the Genome Aggregation Database (gnomAD). Based on the majority of available evidence to date, this variant is likely to be pathogenic.

Mayo Clinic Laboratories, Mayo Clinic
Classification: Likely pathogenic. Last evaluated: 2025-12-12. Review status: criteria provided, single submitter. Criteria: ACMG Guidelines, 2015. Collection method: clinical testing. Allele origin: germline. Observed: 1 variant allele.
Comment: PP3_moderate, PP4_moderate, PM2_supporting, PS4_moderate

Labcorp Genetics (formerly Invitae), Labcorp
Classification: Pathogenic for Telangiectasia, hereditary hemorrhagic, type 2. Last evaluated: 2025-11-22. Review status: criteria provided, single submitter. Criteria: Invitae Variant Classification Sherloc (09022015). Collection method: clinical testing. Allele origin: germline.
Comment: This sequence change replaces leucine, which is neutral and non-polar, with phenylalanine, which is neutral and non-polar, at codon 480 of the ACVRL1 protein (p.Leu480Phe). This variant is not present in population databases (gnomAD no frequency). This missense change has been observed in individual(s) with hereditary hemorrhagic telangiectasia (PMID: 17786384, 32300199). ClinVar contains an entry for this variant (Variation ID: 1772647). Invitae Evidence Modeling of protein sequence and biophysical properties (such as structural, functional, and spatial information, amino acid conservation, physicochemical variation, residue mobility, and thermodynamic stability) indicates that this missense variant is expected to disrupt ACVRL1 protein function with a positive predictive value of 95%. For these reasons, this variant has been classified as Pathogenic.

Literature cited by the submitters: PubMed 17786384 (cited by 3 submitters); PubMed 32300199 (cited by Mayo Clinic Laboratories, Mayo Clinic and Labcorp Genetics (formerly Invitae), Labcorp).